The following is an entry in ClinVar:

NM_006389.5(HYOU1):c.233A>G (p.Glu78Gly)

Gene: HYOU1 (hypoxia up-regulated 1; minus strand). Cytogenetic location: 11q23.3.
Variant type: single nucleotide variant.
Coding change: c.233A>G on transcript NM_006389.5 (MANE Select); coding-DNA position 233, A replaced by G.
Protein change: p.Glu78Gly; replaces glutamic acid 78 with glycine.
Molecular consequence: missense variant.
Genome position (GRCh38, 1-based): chr11:119,055,524, T>C on the plus strand (A>G on the coding strand, the complement: HYOU1 is on the minus strand). VCF-style: chr11-119055524-T-C. GRCh37 (hg19) VCF-style: chr11-118926236-T-C.
Other names: c.233A>G, p.Glu78Gly (NM_001130991.3, NM_001411041.1); short protein forms E78G.
Identifiers: ClinVar variation 4804298 (VCV004804298.1).

ClinVar aggregate classification (germline): Uncertain significance (1 of 4 stars; one submission).

Submission:

Labcorp Genetics (formerly Invitae), Labcorp
Classification: Uncertain significance. Last evaluated: 2025-12-08. Review status: criteria provided, single submitter. Criteria: Invitae Variant Classification Sherloc (09022015). Collection method: clinical testing. Allele origin: germline.
Comment: This sequence change replaces glutamic acid, which is acidic and polar, with glycine, which is neutral and non-polar, at codon 78 of the HYOU1 protein (p.Glu78Gly). This variant is not present in population databases (gnomAD no frequency). This variant has not been reported in the literature in individuals affected with HYOU1-related conditions. An algorithm developed to predict the effect of missense changes on protein structure and function (PolyPhen-2) suggests that this variant is likely to be disruptive. In summary, the available evidence is currently insufficient to determine the role of this variant in disease. Therefore, it has been classified as a Variant of Uncertain Significance.